The following is an entry in ClinVar:

NM_015378.4(VPS13D):c.3188C>T (p.Ala1063Val)

Gene: VPS13D (vacuolar protein sorting 13 homolog D; plus strand). Cytogenetic location: 1p36.22.
Variant type: single nucleotide variant.
Coding change: c.3188C>T on transcript NM_015378.4 (MANE Select); coding-DNA position 3188, C replaced by T.
Protein change: p.Ala1063Val; replaces alanine 1063 with valine.
Molecular consequence: missense variant.
Genome position (GRCh38, 1-based): chr1:12,276,776, C>T. VCF-style: chr1-12276776-C-T. GRCh37 (hg19) VCF-style: chr1-12336833-C-T.
Other names: c.3188C>T, p.Ala1063Val (NM_018156.4); short protein forms A1063V.
Identifiers: ClinVar variation 1473967 (VCV001473967.6), dbSNP rs1422147054, ClinGen allele CA338473881.
Genomic context (GRCh38, chr1:12,276,776, plus strand): 5'-CTGTCTCTGGACCGAATGTGGCCCACTTAACTGATGGAGCTACACTGAACGACCGATCAG[C>T]TACTAGTGTTTCACTTGACAAAATTCTTACCAAAGAGCAAGAGTCCCTTATTAAGTTGGA-3'
Protein context (NP_056193.2, residues 1053-1073): TDGATLNDRS[Ala1063Val]TSVSLDKILT

ClinVar aggregate classification (germline): Uncertain significance (1 of 4 stars; one submission).

Allele frequency attached by ClinVar (database versions not stated): gnomAD exomes below 0.00001; TOPMed below 0.00001.
gnomAD v4.1: 3 of 1,614,222 alleles (0.00019%); highest among the groups gnomAD compares: Non-Finnish European, 0.00025%; no homozygotes.

Submission:

Labcorp Genetics (formerly Invitae), Labcorp
Classification: Uncertain significance. Last evaluated: 2021-04-20. Review status: criteria provided, single submitter. Criteria: Invitae Variant Classification Sherloc (09022015). Collection method: clinical testing. Allele origin: germline.
Comment: This sequence change replaces alanine with valine at codon 1063 of the VPS13D protein (p.Ala1063Val). The alanine residue is moderately conserved and there is a small physicochemical difference between alanine and valine. In summary, the available evidence is currently insufficient to determine the role of this variant in disease. Therefore, it has been classified as a Variant of Uncertain Significance. Algorithms developed to predict the effect of missense changes on protein structure and function output the following: SIFT: "Not Available"; PolyPhen-2: "Benign"; Align-GVGD: "Not Available". The valine amino acid residue is found in multiple mammalian species, suggesting that this missense change does not adversely affect protein function. These predictions have not been confirmed by published functional studies and their clinical significance is uncertain. This variant has not been reported in the literature in individuals with VPS13D-related conditions. This variant is not present in population databases (ExAC no frequency).